The following is an entry in ClinVar:

NM_002474.3(MYH11):c.4243T>G (p.Tyr1415Asp)

Genes: MYH11 (myosin heavy chain 11; minus strand), NDE1 (nudE neurodevelopment protein 1; plus strand). Cytogenetic location: 16p13.11.
Variant type: single nucleotide variant.
Coding change: c.4243T>G on transcript NM_002474.3 (MANE Select); coding-DNA position 4243, T replaced by G.
Protein change: p.Tyr1415Asp; replaces tyrosine 1415 with aspartic acid.
Molecular consequence: missense variant. On other transcripts: 3 prime UTR variant (2).
Genome position (GRCh38, 1-based): chr16:15,724,283, A>C on the plus strand (T>G on the coding strand, the complement: MYH11 is on the minus strand). VCF-style: chr16-15724283-A-C. GRCh37 (hg19) VCF-style: chr16-15818140-A-C.
Other names: c.4264T>G, p.Tyr1422Asp (NM_001040113.2, NM_001040114.2); c.4243T>G, p.Tyr1415Asp (NM_022844.3); c.*32A>C (NM_001143979.2, NM_017668.3); short protein forms Y1415D, Y1422D.
Identifiers: ClinVar variation 1739021 (VCV001739021.2), dbSNP rs2506141035, ClinGen allele CA394857274.

ClinVar aggregate classification (germline): Uncertain significance (1 of 4 stars; one submission).

Conditions:
Familial thoracic aortic aneurysm and aortic dissection (TAAD). Also called: Thoracic aortic aneurysms and dissections. Identifiers: Orphanet 91387, MedGen C4707243, MONDO:0019625.

Submission:

Ambry Genetics
Classification: Uncertain significance for Familial thoracic aortic aneurysm and aortic dissection. Last evaluated: 2021-11-19. Review status: criteria provided, single submitter. Criteria: Ambry Variant Classification Scheme 2023. Collection method: clinical testing. Allele origin: germline.
Comment: The p.Y1415D variant (also known as c.4243T>G), located in coding exon 30 of the MYH11 gene, results from a T to G substitution at nucleotide position 4243. The tyrosine at codon 1415 is replaced by aspartic acid, an amino acid with highly dissimilar properties. This amino acid position is conserved. In addition, the in silico prediction for this alteration is inconclusive. Since supporting evidence is limited at this time, the clinical significance of this alteration remains unclear.